The following is an entry in ClinVar:

NM_001079.4(ZAP70):c.523C>G (p.Arg175Gly)

Gene: ZAP70 (zeta chain of T cell receptor associated protein kinase 70; plus strand). Cytogenetic location: 2q11.2.
Variant type: single nucleotide variant.
Coding change: c.523C>G on transcript NM_001079.4 (MANE Select); coding-DNA position 523, C replaced by G.
Protein change: p.Arg175Gly; replaces arginine 175 with glycine.
Molecular consequence: missense variant.
Genome position (GRCh38, 1-based): chr2:97,725,212, C>G. VCF-style: chr2-97725212-C-G. GRCh37 (hg19) VCF-style: chr2-98341675-C-G.
Other names: c.523C>G, p.Arg175Gly (NM_001378594.1); short protein forms R175G.
Identifiers: ClinVar variation 2193061 (VCV002193061.5), dbSNP rs752318274, ClinGen allele CA1790109.

ClinVar aggregate classification (germline): Uncertain significance. Review status: criteria provided, multiple submitters, no conflicts (2 of 4 stars). 2 submissions from 2 submitters: Uncertain significance (2). Last evaluated 2025-02-24.

Conditions:
Inborn genetic diseases. Identifiers: MedGen C0950123, MeSH D030342.
Combined immunodeficiency due to ZAP70 deficiency (IMD48). Also called: ZAP70 Deficiency; Immunodeficiency 48. Identifiers: Orphanet 911, MedGen C2931299, MONDO:0010023, OMIM 269840.

gnomAD v4.1: 1 of 1,614,130 alleles (0.000062%); highest among the groups gnomAD compares: South Asian, 0.0011%; no homozygotes.

Submissions (2):

Labcorp Genetics (formerly Invitae), Labcorp
Classification: Uncertain significance for Combined immunodeficiency due to ZAP70 deficiency. Last evaluated: 2025-02-24. Review status: criteria provided, single submitter. Criteria: Invitae Variant Classification Sherloc (09022015). Collection method: clinical testing. Allele origin: germline.
Comment: This sequence change replaces arginine, which is basic and polar, with glycine, which is neutral and non-polar, at codon 175 of the ZAP70 protein (p.Arg175Gly). This variant is present in population databases (rs752318274, gnomAD 0.003%). This variant has not been reported in the literature in individuals affected with ZAP70-related conditions. ClinVar contains an entry for this variant (Variation ID: 2193061). An algorithm developed to predict the effect of missense changes on protein structure and function (PolyPhen-2) suggests that this variant is likely to be disruptive. In summary, the available evidence is currently insufficient to determine the role of this variant in disease. Therefore, it has been classified as a Variant of Uncertain Significance.

Ambry Genetics
Classification: Uncertain significance for Inborn genetic diseases. Last evaluated: 2021-09-21. Review status: criteria provided, single submitter. Criteria: Ambry Variant Classification Scheme 2023. Collection method: clinical testing. Allele origin: germline.